The following is an entry in ClinVar:

NM_020928.2(ZSWIM6):c.3526C>T (p.Arg1176Ter)

Gene: ZSWIM6 (zinc finger SWIM-type containing 6; plus strand). Cytogenetic location: 5q12.1.
Variant type: single nucleotide variant.
Coding change: c.3526C>T on transcript NM_020928.2 (MANE Select); coding-DNA position 3526, C replaced by T.
Protein change: p.Arg1176Ter; replaces arginine 1176 with a stop codon.
Molecular consequence: nonsense.
Genome position (GRCh38, 1-based): chr5:61,544,195, C>T. VCF-style: chr5-61544195-C-T. GRCh37 (hg19) VCF-style: chr5-60840022-C-T.
Other names: short protein forms R1176*.
Identifiers: ClinVar variation 2711276 (VCV002711276.3), dbSNP rs962224189, ClinGen allele CA359947805.

ClinVar aggregate classification (germline): Uncertain significance (1 of 4 stars; one submission).

Submission:

Labcorp Genetics (formerly Invitae), Labcorp
Classification: Uncertain significance. Last evaluated: 2024-01-25. Review status: criteria provided, single submitter. Criteria: Invitae Variant Classification Sherloc (09022015). Collection method: clinical testing. Allele origin: germline.
Comment: This sequence change creates a premature translational stop signal (p.Arg1176*) in the ZSWIM6 gene. While this is not anticipated to result in nonsense mediated decay, it is expected to disrupt the last 40 amino acid(s) of the ZSWIM6 protein. This variant is not present in population databases (gnomAD no frequency). This variant has not been reported in the literature in individuals affected with ZSWIM6-related conditions. In summary, the available evidence is currently insufficient to determine the role of this variant in disease. Therefore, it has been classified as a Variant of Uncertain Significance.